The following is an entry in ClinVar:

NM_015141.4(GPD1L):c.506-124C>G

Gene: GPD1L (glycerol-3-phosphate dehydrogenase 1 like; plus strand). Cytogenetic location: 3p22.3.
Variant type: single nucleotide variant.
Coding change: c.506-124C>G on transcript NM_015141.4 (MANE Select); 124 bases into the intron before coding-DNA position 506, C replaced by G.
Molecular consequence: intron variant.
Genome position (GRCh38, 1-based): chr3:32,146,498, C>G. VCF-style: chr3-32146498-C-G. GRCh37 (hg19) VCF-style: chr3-32187990-C-G.
Identifiers: ClinVar variation 671833 (VCV000671833.1), dbSNP rs72558072, ClinGen allele CA72519672.

ClinVar aggregate classification (germline): Likely benign (1 of 4 stars; one submission).

Allele frequency attached by ClinVar (database versions not stated): gnomAD 0.01959 and 0.02378; gnomAD exomes 0.03039; TOPMed 0.03354; 1000 Genomes Project 30x 0.07433; 1000 Genomes Project 0.07987.
gnomAD v4.1: 20,309 of 701,750 alleles (2.9%); highest among the groups gnomAD compares: East Asian, 25%; 1,865 homozygotes.

Submission:

GeneDx
Classification: Likely benign. Last evaluated: 2018-06-14. Review status: criteria provided, single submitter. Criteria: GeneDx Variant Classification (06012015). Collection method: clinical testing. Allele origin: germline. Affected: yes.
Comment: This variant is considered likely benign or benign based on one or more of the following criteria: it is a conservative change, it occurs at a poorly conserved position in the protein, it is predicted to be benign by multiple in silico algorithms, and/or has population frequency not consistent with disease.